The following is an entry in ClinVar:

NM_000046.5(ARSB):c.976G>A (p.Val326Ile)

Gene: ARSB (arylsulfatase B; minus strand). Cytogenetic location: 5q14.1.
Variant type: single nucleotide variant.
Coding change: c.976G>A on transcript NM_000046.5 (MANE Select); coding-DNA position 976, G replaced by A.
Protein change: p.Val326Ile; replaces valine 326 with isoleucine.
Molecular consequence: missense variant.
Genome position (GRCh38, 1-based): chr5:78,885,750, C>T on the plus strand (G>A on the coding strand, the complement: ARSB is on the minus strand). VCF-style: chr5-78885750-C-T. GRCh37 (hg19) VCF-style: chr5-78181573-C-T.
Other names: c.976G>A, p.Val326Ile (NM_198709.3); short protein forms V326I.
Identifiers: ClinVar variation 2162739 (VCV002162739.1), dbSNP rs529444755, ClinGen allele CA3318139.

ClinVar aggregate classification (germline): Uncertain significance (1 of 4 stars; one submission).

Conditions:
Mucopolysaccharidosis type 6 (MPS6). Also called: N-ACETYLGALACTOSAMINE-4-SULFATASE DEFICIENCY; MPS VI; ARSB DEFICIENCY; ARYLSULFATASE B DEFICIENCY; MPS 6; Maroteaux Lamy syndrome. Identifiers: Orphanet 583, MedGen C0026709, MONDO:0009661, OMIM 253200.

Allele frequency attached by ClinVar (database versions not stated): ExAC 0.00005; gnomAD 0.00006; TOPMed 0.00007; 1000 Genomes Project 30x 0.00016; 1000 Genomes Project 0.00020.
gnomAD v4.1: 91 of 1,614,144 alleles (0.0056%); highest among the groups gnomAD compares: African/African-American, 0.016%; no homozygotes.

Submission:

Labcorp Genetics (formerly Invitae), Labcorp
Classification: Uncertain significance for Mucopolysaccharidosis type 6. Last evaluated: 2022-07-16. Review status: criteria provided, single submitter. Criteria: Invitae Variant Classification Sherloc (09022015). Collection method: clinical testing. Allele origin: germline.
Comment: This sequence change replaces valine, which is neutral and non-polar, with isoleucine, which is neutral and non-polar, at codon 326 of the ARSB protein (p.Val326Ile). This variant is present in population databases (rs529444755, gnomAD 0.03%). This variant has not been reported in the literature in individuals affected with ARSB-related conditions. Advanced modeling of protein sequence and biophysical properties (such as structural, functional, and spatial information, amino acid conservation, physicochemical variation, residue mobility, and thermodynamic stability) performed at Invitae indicates that this missense variant is not expected to disrupt ARSB protein function. In summary, the available evidence is currently insufficient to determine the role of this variant in disease. Therefore, it has been classified as a Variant of Uncertain Significance.